The following is an entry in ClinVar:

NM_004415.4(DSP):c.8304C>G (p.Ser2768Arg)

Gene: DSP (desmoplakin; plus strand). Cytogenetic location: 6p24.3.
Variant type: single nucleotide variant.
Coding change: c.8304C>G on transcript NM_004415.4 (MANE Select); coding-DNA position 8304, C replaced by G.
Protein change: p.Ser2768Arg; replaces serine 2768 with arginine.
Molecular consequence: missense variant.
Genome position (GRCh38, 1-based): chr6:7,585,566, C>G. VCF-style: chr6-7585566-C-G. GRCh37 (hg19) VCF-style: chr6-7585799-C-G.
Other names: c.6507C>G, p.Ser2169Arg (NM_001008844.3); c.6975C>G, p.Ser2325Arg (NM_001319034.2); short protein forms S2325R, S2768R, S2169R.
Identifiers: ClinVar variation 1762849 (VCV001762849.7), dbSNP rs1759634208, ClinGen allele CA362694873.

ClinVar aggregate classification (germline): Uncertain significance. Review status: criteria provided, multiple submitters, no conflicts (2 of 4 stars). 2 submissions from 2 submitters: Uncertain significance (2). Last evaluated 2024-02-03.

Conditions:
Cardiovascular phenotype. Identifiers: MedGen CN230736.
Arrhythmogenic cardiomyopathy with wooly hair and keratoderma. Also called: Dilated cardiomyopathy with woolly hair and keratoderma; Arrhythmogenic cardiomyopathy with woolly hair and keratoderma; PALMOPLANTAR KERATODERMA WITH LEFT VENTRICULAR CARDIOMYOPATHY AND WOOLLY HAIR; Carvajal syndrome. Identifiers: Orphanet 65282, MedGen C1854063, MONDO:0011581, OMIM 605676.
Arrhythmogenic right ventricular dysplasia 8 (ARVD8). Also called: Arrhythmogenic Right Ventricular Dysplasia/Cardiomyopathy 8; ARRHYTHMOGENIC RIGHT VENTRICULAR DYSPLASIA, FAMILIAL, 8; ARRHYTHMOGENIC RIGHT VENTRICULAR CARDIOMYOPATHY 8. Identifiers: MedGen C1843896, MONDO:0011831, OMIM 607450.

Allele frequency attached by ClinVar (database versions not stated): gnomAD 0.00001.

Submissions (2):

Labcorp Genetics (formerly Invitae), Labcorp
Classification: Uncertain significance for Arrhythmogenic cardiomyopathy with wooly hair and keratoderma; Arrhythmogenic right ventricular dysplasia 8. Last evaluated: 2024-02-03. Review status: criteria provided, single submitter. Criteria: Invitae Variant Classification Sherloc (09022015). Collection method: clinical testing. Allele origin: germline.
Comment: This sequence change replaces serine, which is neutral and polar, with arginine, which is basic and polar, at codon 2768 of the DSP protein (p.Ser2768Arg). This variant is not present in population databases (gnomAD no frequency). This variant has not been reported in the literature in individuals affected with DSP-related conditions. ClinVar contains an entry for this variant (Variation ID: 1762849). An algorithm developed to predict the effect of missense changes on protein structure and function (PolyPhen-2) suggests that this variant is likely to be tolerated. In summary, the available evidence is currently insufficient to determine the role of this variant in disease. Therefore, it has been classified as a Variant of Uncertain Significance.

Ambry Genetics
Classification: Uncertain significance for Cardiovascular phenotype. Last evaluated: 2021-07-18. Review status: criteria provided, single submitter. Criteria: Ambry Variant Classification Scheme 2023. Collection method: clinical testing. Allele origin: germline.
Comment: The p.S2768R variant (also known as c.8304C>G), located in coding exon 24 of the DSP gene, results from a C to G substitution at nucleotide position 8304. The serine at codon 2768 is replaced by arginine, an amino acid with dissimilar properties. This amino acid position is conserved. In addition, this alteration is predicted to be tolerated by in silico analysis. Since supporting evidence is limited at this time, the clinical significance of this alteration remains unclear.